The following is an entry in ClinVar:

ClinVar aggregate classification (germline): Uncertain significance (1 of 4 stars; one submission).

Conditions:
Hyperinsulinemic hypoglycemia, familial, 1 (HHF1). Also called: HYPERINSULINISM, FAMILIAL, WITH PANCREATIC NESIDIOBLASTOSIS; HYPOGLYCEMIA, HYPERINSULINEMIC, OF INFANCY; Persistent Hyperinsulinemia Hypoglycemia of Infancy; NESIDIOBLASTOSIS OF PANCREAS; Persistent hyperinsulinemic hypoglycemia of infancy. Identifiers: Orphanet 276575, Orphanet 276598, MedGen C2931832, MONDO:0009734, OMIM 256450.

Submission:

Broad Center for Mendelian Genomics, Broad Institute of MIT and Harvard
Classification: Uncertain significance for Hyperinsulinemic hypoglycemia, familial, 1. Last evaluated: 2023-08-16. Review status: criteria provided, single submitter. Criteria: ACMG Guidelines, 2015. Collection method: curation. Allele origin: germline. Inheritance: Autosomal recessive inheritance.
Comment: The p.Glu785del variant in ABCC8 has been previously reported in 3 individuals with hyperinsulinemic hypoglycemia (PMID: 23275527, 27691052, 23345197), and has been seen in 0.005% (1/18394) of East Asian chromosomes by the Genome Aggregation Database (gnomAD). Although this variant has been seen in the general population in a heterozygous state, its frequency is low enough to be consistent with a recessive carrier frequency. Of the 3 affected individuals, all were homozygotes, which increases the likelihood that the Glu785del variant is pathogenic (PMID: 23275527, 27691052, 23345197). This variant is a deletion of 1 amino acid at position 785 and is not predicted to alter the protein reading-frame. It is unclear if this deletion will impact the protein. In summary, the clinical significance of the p.Glu785del variant is uncertain. ACMG/AMP Criteria applied: PM3, PM2_supporting, PM4_supporting (Richards 2015).

NM_000352.6(ABCC8):c.2350GAG[1] (p.Glu785del)

Genes: ABCC8 (ATP binding cassette subfamily C member 8; minus strand), LOC110121471 (VISTA enhancer hs1977; plus strand). Cytogenetic location: 11p15.1.
Variant type: Microsatellite.
Coding change: c.2350GAG[1] on transcript NM_000352.6 (MANE Select); one copy of the 3-base unit GAG starting at c.2350; the reference has two copies in a row; one copy, 3 bases deleted.
Protein change: p.Glu785del; deletes glutamic acid 785.
Molecular consequence: inframe deletion. On other transcripts: non-coding transcript variant (1).
Genome position (GRCh38, 1-based): chr11:17,414,547-17,414,549, CTC deleted on the plus strand (GAG on the coding strand, the reverse complement: ABCC8 is on the minus strand); deleting any 3 consecutive bases within chr11:17,414,547-17,414,553 gives the same sequence; the position shown is the placement nearest the transcript's 3' end. VCF-style (leftmost placement, unchanged base first): chr11-17414546-TCTC-T. GRCh37 (hg19) VCF-style: chr11-17436093-TCTC-T.
Other names: NM_001287174.3:c.2356_2358del; c.2353GAG[1], p.Glu786del (NM_001287174.3); c.2416GAG[1], p.Glu807del (NM_001351295.2); c.2350GAG[1], p.Glu785del (NM_001351296.2); c.2347GAG[1], p.Glu784del (NM_001351297.2); short protein forms E784del, E785del, E786del, E807del.
Identifiers: ClinVar variation 2576209 (VCV002576209.1), dbSNP rs1564905523, ClinGen allele CA918828120.
Genomic context (GRCh38, chr11:17,414,546, plus strand): 5'-CCTGCCTCCCTCCGACAGGCTTTTACCGTTGTTTGTTGAAGGGACTCTCAAAGATGATGT[TCTC>T]CTCCACAGTGGCATTTAGCAGCCATGGTTTCTGCGAAGCATAGGCCACGGGGCCTCTCTT-3'